The following is an entry in ClinVar:

ClinVar aggregate classification (germline): Uncertain significance. Review status: criteria provided, multiple submitters, no conflicts (2 of 4 stars). 2 submissions from 2 submitters: Uncertain significance (2). Last evaluated 2023-10-13.

Conditions:
Inborn genetic diseases. Identifiers: MedGen C0950123, MeSH D030342.

gnomAD v4.1: 1 of 1,604,166 alleles (0.000062%); highest among the groups gnomAD compares: Admixed American, 0.0017%; no homozygotes.

Submissions (2):

Labcorp Genetics (formerly Invitae), Labcorp
Classification: Uncertain significance. Last evaluated: 2023-10-13. Review status: criteria provided, single submitter. Criteria: Invitae Variant Classification Sherloc (09022015). Collection method: clinical testing. Allele origin: germline.
Comment: This sequence change replaces aspartic acid, which is acidic and polar, with alanine, which is neutral and non-polar, at codon 853 of the SNX14 protein (p.Asp853Ala). This variant is not present in population databases (gnomAD no frequency). This variant has not been reported in the literature in individuals affected with SNX14-related conditions. ClinVar contains an entry for this variant (Variation ID: 1898485). An algorithm developed to predict the effect of missense changes on protein structure and function (PolyPhen-2) suggests that this variant is likely to be disruptive. In summary, the available evidence is currently insufficient to determine the role of this variant in disease. Therefore, it has been classified as a Variant of Uncertain Significance.

Ambry Genetics
Classification: Uncertain significance for Inborn genetic diseases. Last evaluated: 2021-11-23. Review status: criteria provided, single submitter. Criteria: Ambry Variant Classification Scheme 2023. Collection method: clinical testing. Allele origin: germline.

NM_153816.6(SNX14):c.2558A>C (p.Asp853Ala)

Gene: SNX14 (sorting nexin 14; minus strand). Cytogenetic location: 6q14.3.
Variant type: single nucleotide variant.
Coding change: c.2558A>C on transcript NM_153816.6 (MANE Select); coding-DNA position 2558, A replaced by C.
Protein change: p.Asp853Ala; replaces aspartic acid 853 with alanine.
Molecular consequence: missense variant. On other transcripts: non-coding transcript variant (6).
Genome position (GRCh38, 1-based): chr6:85,513,895, T>G on the plus strand (A>C on the coding strand, the complement: SNX14 is on the minus strand). VCF-style: chr6-85513895-T-G. GRCh37 (hg19) VCF-style: chr6-86223613-T-G.
Other names: c.2531A>C, p.Asp844Ala (NM_001297614.3); c.2402A>C, p.Asp801Ala (NM_001304479.2); c.2621A>C, p.Asp874Ala (NM_001350532.2); c.2555A>C, p.Asp852Ala (NM_001350533.2, NM_001350535.2); c.2528A>C, p.Asp843Ala (NM_001350534.2); c.2426A>C, p.Asp809Ala (NM_001350536.2); c.2423A>C, p.Asp808Ala (NM_001350537.2); c.2414A>C, p.Asp805Ala (NM_001350538.2); and 10 more; short protein forms D503A, D705A, D756A, D800A, D853A, D459A, D789A, D809A.
Identifiers: ClinVar variation 1898485 (VCV001898485.6), dbSNP rs2534479389, ClinGen allele CA364898612.